The following is an entry in ClinVar:

NM_183381.3(RNF13):c.679C>T (p.Pro227Ser)

Gene: RNF13 (ring finger protein 13; plus strand). Cytogenetic location: 3q25.1.
Variant type: single nucleotide variant.
Coding change: c.679C>T on transcript NM_183381.3 (MANE Select); coding-DNA position 679, C replaced by T.
Protein change: p.Pro227Ser; replaces proline 227 with serine.
Molecular consequence: missense variant. On other transcripts: non-coding transcript variant (1).
Genome position (GRCh38, 1-based): chr3:149,921,206, C>T. VCF-style: chr3-149921206-C-T. GRCh37 (hg19) VCF-style: chr3-149638993-C-T.
Other names: c.679C>T, p.Pro227Ser (NM_001378285.1, NM_001378286.1, NM_007282.4); c.322C>T, p.Pro108Ser (NM_001378287.1, NM_001378288.1, NM_001378289.1 and 2 more transcripts); c.286C>T, p.Pro96Ser (NM_001378291.1); short protein forms P108S, P227S, P96S.
Identifiers: ClinVar variation 3771381 (VCV003771381.13).
Genomic context (GRCh38, chr3:149,921,206, plus strand): 5'-GTCCAGGATAGACATAGAGCTAGAAGAAACAGACTTCGTAAAGATCAACTTAAGAAACTT[C>T]CTGTACATAAATTCAAGAAAGGTAAGTATTTGTTTTCTAAATAATTATCCTTAGTTTATT-3'
Protein context (NP_899237.1, residues 217-237): RLRKDQLKKL[Pro227Ser]VHKFKKGDEY

ClinVar aggregate classification (germline): Uncertain significance (1 of 4 stars; one submission).

Submission:

CeGaT Center for Human Genetics Tuebingen
Classification: Uncertain significance. Last evaluated: 2024-12-01. Review status: criteria provided, single submitter. Criteria: CeGaT Center For Human Genetics Tuebingen Variant Classification Criteria Version 2. Collection method: clinical testing. Allele origin: germline. Affected: yes. Observed: 1 variant allele.
Comment: RNF13: PM2